The following is an entry in ClinVar:

NM_170707.4(LMNA):c.1358G>C (p.Arg453Pro)

Gene: LMNA (lamin A/C; plus strand). Cytogenetic location: 1q22.
Variant type: single nucleotide variant.
Coding change: c.1358G>C on transcript NM_170707.4 (MANE Select); coding-DNA position 1358, G replaced by C.
Protein change: p.Arg453Pro; replaces arginine 453 with proline.
Molecular consequence: missense variant.
Genome position (GRCh38, 1-based): chr1:156,136,414, G>C. VCF-style: chr1-156136414-G-C. GRCh37 (hg19) VCF-style: chr1-156106205-G-C.
Other names: c.1022G>C, p.Arg341Pro (NM_001257374.3); c.1115G>C, p.Arg372Pro (NM_001282624.2); c.1358G>C, p.Arg453Pro (NM_001282625.2, NM_001282626.2, NM_005572.4 and 1 more transcripts); short protein forms R453P, R341P, R372P.
Identifiers: ClinVar variation 66808 (VCV000066808.6), dbSNP rs267607598, ClinGen allele CA017039.

ClinVar aggregate classification (germline): Pathogenic/Likely pathogenic. Review status: criteria provided, multiple submitters, no conflicts (2 of 4 stars). 3 submissions from 3 submitters: Pathogenic (1); Likely pathogenic (1). 1 of the submissions does not count toward it. Last evaluated 2024-11-26.

Conditions:
Charcot-Marie-Tooth disease type 2. Also called: Charcot-Marie-Tooth type 2. Identifiers: Orphanet 64746, MedGen C0270914, MONDO:0018993.
Emery-Dreifuss muscular dystrophy 2, autosomal dominant (EDMD2). Also called: SCAPULOILIOPERONEAL ATROPHY WITH CARDIOPATHY; Limb-girdle muscular dystrophy, type 1B; Muscular dystrophy, proximal, type 1B; Benign scapuloperoneal muscular dystrophy with cardiomyopathy; LMNA-Related Emery-Dreifuss Muscular Dystrophy, Autosomal; HAUPTMANN-THANNHAUSER MUSCULAR DYSTROPHY. Identifiers: Orphanet 261, Orphanet 264, MedGen C0410190, MONDO:0021569, OMIM 181350.

Submissions (3):

3billion
Classification: Likely pathogenic for Emery-Dreifuss muscular dystrophy 2, autosomal dominant. Last evaluated: 2024-11-26. Review status: criteria provided, single submitter. Criteria: ACMG Guidelines, 2015. Collection method: clinical testing. Allele origin: germline. Affected: yes.
Comment: The variant is not observed in the gnomAD v4.1.0 dataset. Predicted Consequence/Location: Missense variant In silico tool predictions suggest damaging effect of the variant on gene or gene product [REVEL: 0.96 (>=0.6, sensitivity 0.68 and specificity 0.92); 3Cnet: 0.97 (>=0.6, sensitivity 0.72 and precision 0.9)]. The same nucleotide change resulting in the same amino acid change has been previously reported to be associated with LMNA related disorder (ClinVar ID: VCV000066808 /PMID: 18551513). Different missense changes at the same codon (p.Arg453Gln, p.Arg453Trp) have been reported as pathogenic/likely pathogenic with strong evidence (ClinVar ID: VCV000014478, VCV000570103 /PMID: 10080180 /3billion dataset). Therefore, this variant is classified as Likely pathogenic according to the recommendation of ACMG/AMP guideline.

Labcorp Genetics (formerly Invitae), Labcorp
Classification: Pathogenic for Charcot-Marie-Tooth disease type 2. Last evaluated: 2022-08-28. Review status: criteria provided, single submitter. Criteria: Invitae Variant Classification Sherloc (09022015). Collection method: clinical testing. Allele origin: germline.
Comment: For these reasons, this variant has been classified as Pathogenic. This variant disrupts the p.Arg453 amino acid residue in LMNA. Other variant(s) that disrupt this residue have been determined to be pathogenic (PMID: 10080180, 14749366, 18396274, 20980393, 21173262, 22326558, 24642510). This suggests that this residue is clinically significant, and that variants that disrupt this residue are likely to be disease-causing. Algorithms developed to predict the effect of missense changes on protein structure and function (SIFT, PolyPhen-2, Align-GVGD) all suggest that this variant is likely to be disruptive. ClinVar contains an entry for this variant (Variation ID: 66808). This missense change has been observed in individual(s) with autosomal dominant congenital muscular dystrophy (PMID: 18551513, 34240052). In at least one individual the variant was observed to be de novo. This variant is not present in population databases (gnomAD no frequency). This sequence change replaces arginine, which is basic and polar, with proline, which is neutral and non-polar, at codon 453 of the LMNA protein (p.Arg453Pro).

Epithelial Biology;  Institute of Medical Biology, Singapore
No classification provided. Review status: no classification provided. Collection method: not provided. Allele origin: not provided. Not counted in ClinVar's aggregate classification.

Literature cited by the submitters: PubMed 10080180 (cited by 3billion and Labcorp Genetics (formerly Invitae), Labcorp); PubMed 18551513 (cited by 3billion and Labcorp Genetics (formerly Invitae), Labcorp); PubMed 14749366 (cited by Labcorp Genetics (formerly Invitae), Labcorp); PubMed 18396274 (cited by Labcorp Genetics (formerly Invitae), Labcorp); PubMed 20980393 (cited by Labcorp Genetics (formerly Invitae), Labcorp); PubMed 21173262 (cited by Labcorp Genetics (formerly Invitae), Labcorp); PubMed 22326558 (cited by Labcorp Genetics (formerly Invitae), Labcorp); PubMed 24642510 (cited by Labcorp Genetics (formerly Invitae), Labcorp); PubMed 34240052 (cited by Labcorp Genetics (formerly Invitae), Labcorp).